The following is an entry in ClinVar:

ClinVar aggregate classification (germline): Pathogenic. Review status: criteria provided, single submitter (1 of 4 stars). 2 submissions from 2 submitters: Pathogenic (1). 1 of the submissions does not count toward it. Last evaluated 2022-08-13.

Conditions:
Stargardt disease 3. Also called: STARGARDT-LIKE MACULAR DYSTROPHY, AUTOSOMAL DOMINANT; MACULAR DYSTROPHY WITH FLECKS, TYPE 3. Identifiers: Orphanet 827, MedGen C1838644, MONDO:0010819, OMIM 600110.

Submissions (2):

Labcorp Genetics (formerly Invitae), Labcorp
Classification: Pathogenic. Last evaluated: 2022-08-13. Review status: criteria provided, single submitter. Criteria: Invitae Variant Classification Sherloc (09022015). Collection method: clinical testing. Allele origin: germline.
Comment: This variant is not present in population databases (gnomAD no frequency). This variant has not been reported in the literature in individuals affected with ABCA4-related conditions. For these reasons, this variant has been classified as Pathogenic. This sequence change creates a premature translational stop signal (p.Tyr665Serfs*5) in the ABCA4 gene. It is expected to result in an absent or disrupted protein product. Loss-of-function variants in ABCA4 are known to be pathogenic (PMID: 10958761, 24938718, 25312043, 26780318).

Ophthalmo-Genetics Lab, Instituto de Oftalmologia Conde de Valenciana
Classification: Pathogenic for Stargardt disease 3. Review status: no assertion criteria provided. Collection method: research. Allele origin: germline. Inheritance: Autosomal recessive inheritance. Affected: yes. Not counted in ClinVar's aggregate classification.

Literature cited by the submitters: PubMed 10958761 (cited by Labcorp Genetics (formerly Invitae), Labcorp); PubMed 24938718 (cited by Labcorp Genetics (formerly Invitae), Labcorp); PubMed 25312043 (cited by Labcorp Genetics (formerly Invitae), Labcorp); PubMed 26780318 (cited by Labcorp Genetics (formerly Invitae), Labcorp); PubMed 24585425 (cited by Ophthalmo-Genetics Lab, Instituto de Oftalmologia Conde de Valenciana).

NM_000350.3(ABCA4):c.1994del (p.Tyr665fs)

Gene: ABCA4 (ATP binding cassette subfamily A member 4; minus strand). Cytogenetic location: 1p22.1.
Variant type: Deletion.
Coding change: c.1994del on transcript NM_000350.3 (MANE Select); coding-DNA position 1994, one base deleted (A; older notation c.1994delA).
Protein change: p.Tyr665fs; shifts the reading frame from tyrosine 665.
Molecular consequence: frameshift variant.
Genome position (GRCh38, 1-based): chr1:94,060,703, T deleted on the plus strand (A on the coding strand, the reverse complement: ABCA4 is on the minus strand). VCF-style (leftmost placement, unchanged base first): chr1-94060702-GT-G. GRCh37 (hg19) VCF-style: chr1-94526258-GT-G.
Other names: c.1994delA, p.Tyr665Serfs (NM_001425324.1); short protein forms Y665fs.
Identifiers: ClinVar variation 2024100 (VCV002024100.5), dbSNP rs2523833102, ClinGen allele CA2580063550.